The following is an entry in ClinVar:

NM_000059.4(BRCA2):c.2026del (p.Cys676fs)

Gene: BRCA2 (BRCA2 DNA repair associated; plus strand). Cytogenetic location: 13q13.1.
Variant type: Deletion.
Coding change: c.2026del on transcript NM_000059.4 (MANE Select); coding-DNA position 2026, one base deleted (T; older notation c.2026delT).
Protein change: p.Cys676fs; shifts the reading frame from cysteine 676.
Molecular consequence: frameshift variant.
Genome position (GRCh38, 1-based): chr13:32,336,381, T deleted. VCF-style (leftmost placement, unchanged base first): chr13-32336380-AT-A. GRCh37 (hg19) VCF-style: chr13-32910517-AT-A.
Other names: 2254delT; c.2026delT (NM_000059.3).
Identifiers: ClinVar variation 51237 (VCV000051237.3), dbSNP rs80359317, ClinGen allele CA014155.

ClinVar aggregate classification (germline): Pathogenic. Review status: reviewed by expert panel (3 of 4 stars). 3 submissions from 3 submitters: Pathogenic (1). 2 of the submissions do not count toward it. Last evaluated 2016-09-08.

Conditions:
Breast-ovarian cancer, familial, susceptibility to, 2 (BROVCA2). Also called: BRCA2 Hereditary Breast and Ovarian Cancer. Identifiers: Orphanet 145, MedGen C2675520, MONDO:0012933, OMIM 612555. Disease mechanism: loss of function.

Submissions (3):

Evidence-based Network for the Interpretation of Germline Mutant Alleles (ENIGMA)
Classification: Pathogenic for Breast-ovarian cancer, familial, susceptibility to, 2. Last evaluated: 2016-09-08. Review status: reviewed by expert panel. Criteria: ENIGMA BRCA1/2 Classification Criteria (2015). Collection method: curation. Allele origin: germline.
Comment: Variant allele predicted to encode a truncated non-functional protein.

Consortium of Investigators of Modifiers of BRCA1/2 (CIMBA), c/o University of Cambridge
Classification: Pathogenic for Breast-ovarian cancer, familial, susceptibility to, 2. Last evaluated: 2015-10-02. Review status: criteria provided, single submitter. Criteria: CIMBA Mutation Classification guidelines May 2016. Collection method: clinical testing. Allele origin: germline. Not counted in ClinVar's aggregate classification.

Breast Cancer Information Core (BIC) (BRCA2)
Classification: Pathogenic for Breast-ovarian cancer, familial 2. Last evaluated: 2002-06-20. Review status: no assertion criteria provided. Collection method: clinical testing. Allele origin: germline. Affected: yes. Observed: 1 variant allele. Not counted in ClinVar's aggregate classification.